The following is an entry in ClinVar:

ClinVar aggregate classification (germline): Uncertain significance. Review status: criteria provided, multiple submitters, no conflicts (2 of 4 stars). 2 submissions from 2 submitters: Uncertain significance (2). Last evaluated 2024-10-17.

Conditions:
Hereditary cancer-predisposing syndrome. Also called: Tumor predisposition; Hereditary neoplastic syndrome; Neoplastic Syndromes, Hereditary; Hereditary Cancer Syndrome. Identifiers: Orphanet 140162, MedGen C0027672, MeSH D009386, MONDO:0015356.
Parathyroid carcinoma (PRTC). Also called: Parathyroid gland carcinoma; CDC73-Related Parathyroid Carcinoma. Identifiers: Orphanet 143, MedGen C0687150, MONDO:0012004, OMIM 608266, HP:0006780.

Allele frequency attached by ClinVar (database versions not stated): gnomAD exomes below 0.00001; TOPMed below 0.00001.
gnomAD v4.1: 2 of 1,609,318 alleles (0.00012%); highest among the groups gnomAD compares: African/African-American, 0.0013%; no homozygotes.

Submissions (2):

Ambry Genetics
Classification: Uncertain significance for Hereditary cancer-predisposing syndrome. Last evaluated: 2024-10-17. Review status: criteria provided, single submitter. Criteria: Ambry Variant Classification Scheme 2023. Collection method: clinical testing. Allele origin: germline.
Comment: The p.T56P variant (also known as c.166A>C), located in coding exon 2 of the CDC73 gene, results from an A to C substitution at nucleotide position 166. The threonine at codon 56 is replaced by proline, an amino acid with highly similar properties. This amino acid position is conserved. In addition, this alteration is predicted to be deleterious by in silico analysis. Based on the available evidence, the clinical significance of this variant remains unclear.

Labcorp Genetics (formerly Invitae), Labcorp
Classification: Uncertain significance for Parathyroid carcinoma. Last evaluated: 2024-04-15. Review status: criteria provided, single submitter. Criteria: Invitae Variant Classification Sherloc (09022015). Collection method: clinical testing. Allele origin: germline.
Comment: This sequence change replaces threonine, which is neutral and polar, with proline, which is neutral and non-polar, at codon 56 of the CDC73 protein (p.Thr56Pro). This variant is not present in population databases (gnomAD no frequency). This variant has not been reported in the literature in individuals affected with CDC73-related conditions. ClinVar contains an entry for this variant (Variation ID: 2172416). Advanced modeling of protein sequence and biophysical properties (such as structural, functional, and spatial information, amino acid conservation, physicochemical variation, residue mobility, and thermodynamic stability) performed at Invitae indicates that this missense variant is expected to disrupt CDC73 protein function with a positive predictive value of 80%. In summary, the available evidence is currently insufficient to determine the role of this variant in disease. Therefore, it has been classified as a Variant of Uncertain Significance.

NM_024529.5(CDC73):c.166A>C (p.Thr56Pro)

Gene: CDC73 (cell division cycle 73; plus strand). Cytogenetic location: 1q31.2.
Variant type: single nucleotide variant.
Coding change: c.166A>C on transcript NM_024529.5 (MANE Select); coding-DNA position 166, A replaced by C.
Protein change: p.Thr56Pro; replaces threonine 56 with proline.
Molecular consequence: missense variant.
Genome position (GRCh38, 1-based): chr1:193,125,146, A>C. VCF-style: chr1-193125146-A-C. GRCh37 (hg19) VCF-style: chr1-193094276-A-C.
Other names: short protein forms T56P.
Identifiers: ClinVar variation 2172416 (VCV002172416.5), dbSNP rs1675542041, ClinGen allele CA343973104.